The following is an entry in ClinVar:

ClinVar aggregate classification (germline): Likely benign (1 of 4 stars; one submission).

Conditions:
Colorectal cancer, susceptibility to, 1. Also called: COLORECTAL ADENOMA AND CANCER, SUSCEPTIBILITY TO; COLORECTAL CANCER, SUSCEPTIBILITY TO, ON CHROMOSOME 9. Identifiers: MedGen C1837315, MONDO:0012132, OMIM 608812.

gnomAD v4.1: 2 of 1,613,876 alleles (0.00012%); highest among the groups gnomAD compares: Non-Finnish European, 0.000085%; no homozygotes.

Submission:

Myriad Genetics, Inc.
Classification: Likely benign for Colorectal cancer, susceptibility to, 1. Last evaluated: 2026-04-22. Review status: criteria provided, single submitter. Criteria: Myriad Autosomal Dominant, Autosomal Recessive and X-Linked Classification Criteria (2023). Collection method: clinical testing. Allele origin: unknown.
Comment: This variant is considered likely benign. This variant is intronic and is not expected to impact mRNA splicing.

NM_024642.5(GALNT12):c.1459-7T>C

Gene: GALNT12 (polypeptide N-acetylgalactosaminyltransferase 12; plus strand). Cytogenetic location: 9q22.33.
Variant type: single nucleotide variant.
Coding change: c.1459-7T>C on transcript NM_024642.5 (MANE Select); 7 bases into the intron before coding-DNA position 1459, T replaced by C.
Molecular consequence: intron variant.
Genome position (GRCh38, 1-based): chr9:98,845,970, T>C. VCF-style: chr9-98845970-T-C. GRCh37 (hg19) VCF-style: chr9-101608252-T-C.
Identifiers: ClinVar variation 4875882 (VCV004875882.1).
Genomic context (GRCh38, chr9:98,845,970, plus strand): 5'-CAGCGATCTTTCCTCTTCCCACATCAGTGGAAAATGTTGTGTTACATGTTGGCTGCCCCA[T>C]TTTTAGTTTTTCGAGTACACGTCCCAGAAAGAAATACGCTATAACACCCACCAGCCTGAG-3'